The following is an entry in ClinVar:

NM_015122.3(FCHO1):c.1291G>T (p.Val431Leu)

Gene: FCHO1 (FCH and mu domain containing endocytic adaptor 1; plus strand). Cytogenetic location: 19p13.11.
Variant type: single nucleotide variant.
Coding change: c.1291G>T on transcript NM_015122.3 (MANE Select); coding-DNA position 1291, G replaced by T.
Protein change: p.Val431Leu; replaces valine 431 with leucine.
Molecular consequence: missense variant. On other transcripts: non-coding transcript variant (24), intron variant (1).
Genome position (GRCh38, 1-based): chr19:17,778,168, G>T. VCF-style: chr19-17778168-G-T. GRCh37 (hg19) VCF-style: chr19-17888977-G-T.
Other names: c.1291G>T, p.Val431Leu (NM_001384375.1, NM_001384376.1, NM_001384377.1 and 25 more transcripts); c.1141G>T, p.Val381Leu (NM_001384384.1, NM_001384385.1, NM_001161359.2 and 2 more transcripts); c.1246G>T, p.Val416Leu (NM_001384403.1); c.1057+1897G>T (NM_001384407.1); c.1252G>T, p.Val418Leu (NM_001384388.1, NM_001384389.1, NM_001384405.1); c.1216G>T, p.Val406Leu (NM_001384390.1); short protein forms V406L, V416L, V418L, V381L, V431L.
Identifiers: ClinVar variation 1495335 (VCV001495335.8), dbSNP rs752162263, ClinGen allele CA9300478.

ClinVar aggregate classification (germline): Uncertain significance (1 of 4 stars; one submission).

Allele frequency attached by ClinVar (database versions not stated): gnomAD exomes 0.00001; ExAC 0.00002.

Submission:

Labcorp Genetics (formerly Invitae), Labcorp
Classification: Uncertain significance. Last evaluated: 2022-12-02. Review status: criteria provided, single submitter. Criteria: Invitae Variant Classification Sherloc (09022015). Collection method: clinical testing. Allele origin: germline.
Comment: ClinVar contains an entry for this variant (Variation ID: 1495335). This variant has not been reported in the literature in individuals affected with FCHO1-related conditions. This variant is present in population databases (rs752162263, gnomAD 0.003%). This sequence change replaces valine, which is neutral and non-polar, with leucine, which is neutral and non-polar, at codon 431 of the FCHO1 protein (p.Val431Leu). Algorithms developed to predict the effect of missense changes on protein structure and function output the following: SIFT: "Tolerated"; PolyPhen-2: "Benign"; Align-GVGD: "Class C0". The leucine amino acid residue is found in multiple mammalian species, which suggests that this missense change does not adversely affect protein function. In summary, the available evidence is currently insufficient to determine the role of this variant in disease. Therefore, it has been classified as a Variant of Uncertain Significance.